The following is an entry in ClinVar:

ClinVar aggregate classification (germline): Uncertain significance. Review status: criteria provided, multiple submitters, no conflicts (2 of 4 stars). 5 submissions from 5 submitters: Uncertain significance (4). 1 of the submissions does not count toward it. Last evaluated 2025-02-17.

Conditions:
BRCA2-related disorder. Also called: BRCA2-related condition; BRCA2-related disorders. Identifiers: MedGen CN239275.
Hereditary cancer-predisposing syndrome. Also called: Hereditary neoplastic syndrome; Hereditary Cancer Syndrome; Tumor predisposition; Neoplastic Syndromes, Hereditary. Identifiers: Orphanet 140162, MedGen C0027672, MeSH D009386, MONDO:0015356.
Hereditary breast ovarian cancer syndrome. Also called: Breast and ovarian cancer; Hereditary breast and ovarian cancer; BRCA1- and BRCA2-Associated Hereditary Breast and Ovarian Cancer; Hereditary breast and/or ovarian cancer syndrome; Hereditary breast and ovarian cancer syndrome; Hereditary breast and ovarian cancer syndrome (HBOC). Identifiers: Orphanet 145, MedGen C0677776, MeSH D061325, MONDO:0003582. Disease mechanism: loss of function.

Allele frequency attached by ClinVar (database versions not stated): gnomAD exomes below 0.00001 and 0.00001.
gnomAD v4.1: 2 of 1,614,214 alleles (0.00012%); highest among the groups gnomAD compares: Admixed American, 0.0033%; no homozygotes.

Submissions (5):

Ambry Genetics
Classification: Uncertain significance for Hereditary cancer-predisposing syndrome. Last evaluated: 2025-02-17. Review status: criteria provided, single submitter. Criteria: Ambry Variant Classification Scheme 2023. Collection method: clinical testing. Allele origin: germline.
Comment: The p.Q3295P variant (also known as c.9884A>C), located in coding exon 26 of the BRCA2 gene, results from an A to C substitution at nucleotide position 9884. The glutamine at codon 3295 is replaced by proline, an amino acid with similar properties. Functional studies suggest this alteration may be benign based on sensitivity to PARP inhibitors in a high-throughput in vitro assay performed in a human colorectal adenoma cell line; however, additional evidence is needed to confirm this finding (Ikegami M et al. Nat Commun, 2020 May;11:2573). This amino acid position is well conserved in available vertebrate species. In addition, this alteration is predicted to be tolerated by in silico analysis. Based on the available evidence, the clinical significance of this variant remains unclear.

Labcorp Genetics (formerly Invitae), Labcorp
Classification: Uncertain significance for Hereditary breast ovarian cancer syndrome. Last evaluated: 2023-10-27. Review status: criteria provided, single submitter. Criteria: Invitae Variant Classification Sherloc (09022015). Collection method: clinical testing. Allele origin: germline.
Comment: This sequence change replaces glutamine, which is neutral and polar, with proline, which is neutral and non-polar, at codon 3295 of the BRCA2 protein (p.Gln3295Pro). This variant is present in population databases (no rsID available, gnomAD 0.006%). This variant has not been reported in the literature in individuals affected with BRCA2-related conditions. ClinVar contains an entry for this variant (Variation ID: 439022). Advanced modeling of protein sequence and biophysical properties (such as structural, functional, and spatial information, amino acid conservation, physicochemical variation, residue mobility, and thermodynamic stability) performed at Invitae indicates that this missense variant is not expected to disrupt BRCA2 protein function with a negative predictive value of 95%. In summary, the available evidence is currently insufficient to determine the role of this variant in disease. Therefore, it has been classified as a Variant of Uncertain Significance.

GeneDx
Classification: Uncertain significance. Last evaluated: 2019-08-09. Review status: criteria provided, single submitter. Criteria: GeneDx Variant Classification Process June 2021. Collection method: clinical testing. Allele origin: germline. Affected: yes.
Comment: Not observed at a significant frequency in large population cohorts (Lek et al., 2016); In silico analysis, which includes protein predictors and evolutionary conservation, supports that this variant does not alter protein structure/function; Has not been previously published as pathogenic or benign to our knowledge

Quest Diagnostics Nichols Institute San Juan Capistrano
Classification: Uncertain significance. Last evaluated: 2017-05-08. Review status: criteria provided, single submitter. Criteria: Quest Diagnostics criteria. Collection method: clinical testing. Allele origin: germline.

PreventionGenetics, part of Exact Sciences
Classification: Uncertain significance for BRCA2-related condition. Last evaluated: 2024-03-08. Review status: no assertion criteria provided. Collection method: clinical testing. Allele origin: germline. Not counted in ClinVar's aggregate classification.
Comment: The BRCA2 c.9884A>C variant is predicted to result in the amino acid substitution p.Gln3295Pro. To our knowledge, this variant has not been reported in the literature. This variant is reported in 0.0058% of alleles in individuals of Latino descent in gnomAD. This variant is interpreted as a variant of uncertain significance in ClinVar. At this time, the clinical significance of this variant is uncertain due to the absence of conclusive functional and genetic evidence.

Literature cited by the submitters: PubMed 32444794 (cited by Ambry Genetics).

NM_000059.4(BRCA2):c.9884A>C (p.Gln3295Pro)

Gene: BRCA2 (BRCA2 DNA repair associated; plus strand). Cytogenetic location: 13q13.1.
Variant type: single nucleotide variant.
Coding change: c.9884A>C on transcript NM_000059.4 (MANE Select); coding-DNA position 9884, A replaced by C.
Protein change: p.Gln3295Pro; replaces glutamine 3295 with proline.
Molecular consequence: missense variant.
Genome position (GRCh38, 1-based): chr13:32,398,397, A>C. VCF-style: chr13-32398397-A-C. GRCh37 (hg19) VCF-style: chr13-32972534-A-C.
Other names: short protein forms Q3295P.
Identifiers: ClinVar variation 439022 (VCV000439022.14), dbSNP rs1346315597, ClinGen allele CA387766742.